The following is an entry in ClinVar:

NM_001040113.2(MYH11):c.5819C>G (p.Pro1940Arg)

Genes: MYH11 (myosin heavy chain 11; minus strand), NDE1 (nudE neurodevelopment protein 1; plus strand). Cytogenetic location: 16p13.11.
Variant type: single nucleotide variant.
Coding change: c.5819C>G on transcript NM_001040113.2 (MANE Plus Clinical); coding-DNA position 5819, C replaced by G.
Protein change: p.Pro1940Arg; replaces proline 1940 with arginine.
Molecular consequence: missense variant. On other transcripts: intron variant (4).
Genome position (GRCh38, 1-based): chr16:15,708,830, G>C on the plus strand (C>G on the coding strand, the complement: MYH11 is on the minus strand). VCF-style: chr16-15708830-G-C. GRCh37 (hg19) VCF-style: chr16-15802687-G-C.
Other names: p.P1933R:CCA>CGA; c.5798C>G, p.Pro1933Arg (NM_022844.3); c.947+11970G>C (NM_001143979.2, NM_017668.3); c.5787-4707C>G (NM_002474.3); c.5808-4707C>G (NM_001040114.2); short protein forms P1933R, P1940R.
Identifiers: ClinVar variation 201042 (VCV000201042.42), dbSNP rs111588143, ClinGen allele CA306477.
Genomic context (GRCh38, chr16:15,708,830, plus strand): 5'-CAACACACAGCTGCGAAGCTGAAGGCATGATACCTGGTGCATCACTGCGAAGTTTCCTGT[G>C]GGGGGGGCCCTCTGAAACAGAGAGAGAATCCCCGGAGGTTACCATCAGCAAACAAGAAGG-3'
Protein context (NP_001035202.1, residues 1930-1945): ALKSKLRGPP[Pro1940Arg]QETSQ

ClinVar aggregate classification (germline): Conflicting classifications of pathogenicity. Review status: criteria provided, conflicting classifications (1 of 4 stars). 12 submissions from 12 submitters: Uncertain significance (2); Benign (1); Likely benign (6). 3 of the submissions do not count toward it. Last evaluated 2026-08-06.

Conditions:
MYH11-related disorder. Also called: MYH11-related condition.
Visceral myopathy 2. Identifiers: MedGen C5543466, MONDO:0859157, OMIM 619350.
Familial thoracic aortic aneurysm and aortic dissection (TAAD). Also called: Thoracic aortic aneurysms and dissections. Identifiers: Orphanet 91387, MedGen C4707243, MONDO:0019625.
Aortic aneurysm, familial thoracic 4 (AAT4). Also called: AORTIC ANEURYSM/AORTIC DISSECTION AND PATENT DUCTUS ARTERIOSUS. Identifiers: MedGen C1851504, MONDO:0007568, OMIM 132900.

Allele frequency attached by ClinVar (database versions not stated): TOPMed 0.00018.
gnomAD v4.1: 321 of 1,605,916 alleles (0.02%); highest among the groups gnomAD compares: Middle Eastern, 0.083%; 1 homozygote.

Submissions (12):

OLLIN Analises Genomicas, OLLIN
Classification: Uncertain significance for Visceral myopathy 2. Last evaluated: 2026-08-06. Review status: criteria provided, single submitter. Criteria: ACMG Guidelines 2015 PMID 25741868. Collection method: clinical testing. Allele origin: germline. Inheritance: Autosomal dominant inheritance.
Comment: This variant, has been reported in ClinVar (accession VCV000201042.39) and in gnomAD with an allele frequency of 0.02%. However, to our knowledge, it has not been reported in the scientific literature. According to the currently available evidence, this variant has been classified as uncertain significance (BS1).

GeneDx
Classification: Uncertain significance. Last evaluated: 2026-08-03. Review status: criteria provided, single submitter. Criteria: GeneDx Variant Classification Process June 2021. Collection method: clinical testing. Allele origin: germline.
Comment: Identified in a patient with TAAD in published literature who also harbored a variant in the COL3A1 gene (PMID: 34498425); In silico analysis indicates that this missense variant does not alter protein structure/function; In silico analysis suggests that this variant does not alter splicing; Reported using an alternate transcript of the gene; This variant is associated with the following publications: (PMID: 34498425)

Labcorp Genetics (formerly Invitae), Labcorp
Classification: Likely benign for Aortic aneurysm, familial thoracic 4. Last evaluated: 2026-02-02. Review status: criteria provided, single submitter. Criteria: Invitae Variant Classification Sherloc (09022015). Collection method: clinical testing. Allele origin: germline.

Molecular Diagnostic Laboratory for Inherited Cardiovascular Disease, Montreal Heart Institute
Classification: Likely benign. Last evaluated: 2025-04-09. Review status: criteria provided, single submitter. Criteria: ACMG Guidelines, 2015. Collection method: clinical testing. Allele origin: germline. Affected: no.
Comment: BS1;BP4

Women's Health and Genetics/Laboratory Corporation of America, LabCorp
Classification: Likely benign. Last evaluated: 2025-01-10. Review status: criteria provided, single submitter. Criteria: LabCorp Variant Classification Summary - May 2015. Collection method: clinical testing. Allele origin: germline.

Blueprint Genetics
Classification: Likely benign. Last evaluated: 2024-09-16. Review status: criteria provided, single submitter. Criteria: ACMG Guidelines, 2015. Collection method: clinical testing. Allele origin: germline.

Color Diagnostics, LLC DBA Color Health
Classification: Likely benign for Familial thoracic aortic aneurysm and aortic dissection. Last evaluated: 2018-09-06. Review status: criteria provided, single submitter. Criteria: ACMG Guidelines, 2015. Collection method: clinical testing. Allele origin: germline.

CHEO Genetics Diagnostic Laboratory, Children's Hospital of Eastern Ontario
Classification: Benign for Familial thoracic aortic aneurysm and aortic dissection. Last evaluated: 2017-11-29. Review status: criteria provided, single submitter. Criteria: ACMG Guidelines, 2015. Collection method: clinical testing. Allele origin: germline.

Clinical Genetics DNA and cytogenetics Diagnostics Lab, Erasmus MC, Erasmus Medical Center
Classification: Likely benign for Aortic aneurysm, familial thoracic 4. Last evaluated: 2016-10-19. Review status: criteria provided, single submitter. Criteria: ACGS Guidelines, 2013. Collection method: clinical testing. Allele origin: germline. Affected: yes. Study: VKGL Data-share Consensus.

PreventionGenetics, part of Exact Sciences
Classification: Likely benign for MYH11-related condition. Last evaluated: 2024-03-06. Review status: no assertion criteria provided. Collection method: clinical testing. Allele origin: germline. Not counted in ClinVar's aggregate classification.
Comment: This variant is classified as likely benign based on ACMG/AMP sequence variant interpretation guidelines (Richards et al. 2015 PMID: 25741868, with internal and published modifications).

Genome Diagnostics Laboratory, Amsterdam University Medical Center
Classification: Likely benign for Aortic aneurysm, familial thoracic 4. Last evaluated: 2015-01-28. Review status: no assertion criteria provided. Criteria: ACGS Guidelines, 2013. Collection method: clinical testing. Allele origin: germline. Affected: yes. Study: VKGL Data-share Consensus. Not counted in ClinVar's aggregate classification.

Genome Diagnostics Laboratory, University Medical Center Utrecht
Classification: Likely benign. Review status: no assertion criteria provided. Collection method: clinical testing. Allele origin: germline. Affected: yes. Study: VKGL Data-share Consensus. Not counted in ClinVar's aggregate classification.